The following is an entry in ClinVar:

ClinVar aggregate classification (germline): Uncertain significance (1 of 4 stars; one submission).

Allele frequency attached by ClinVar (database versions not stated): gnomAD exomes below 0.00001; ExAC 0.00001.
gnomAD v4.1: 3 of 1,211,172 alleles (0.00025%); highest among the groups gnomAD compares: East Asian, 0.0089%; no homozygotes.

Submission:

Labcorp Genetics (formerly Invitae), Labcorp
Classification: Uncertain significance. Last evaluated: 2022-10-22. Review status: criteria provided, single submitter. Criteria: Invitae Variant Classification Sherloc (09022015). Collection method: clinical testing. Allele origin: germline.
Comment: This sequence change replaces proline, which is neutral and non-polar, with serine, which is neutral and polar, at codon 982 of the NEXMIF protein (p.Pro982Ser). This variant is present in population databases (rs780659739, gnomAD 0.03%), including at least one homozygous and/or hemizygous individual. This variant has not been reported in the literature in individuals affected with NEXMIF-related conditions. Algorithms developed to predict the effect of missense changes on protein structure and function (SIFT, PolyPhen-2, Align-GVGD) all suggest that this variant is likely to be tolerated. In summary, the available evidence is currently insufficient to determine the role of this variant in disease. Therefore, it has been classified as a Variant of Uncertain Significance.

NM_001008537.3(NEXMIF):c.2944C>T (p.Pro982Ser)

Gene: NEXMIF (neurite extension and migration factor; minus strand). Cytogenetic location: Xq13.3.
Variant type: single nucleotide variant.
Coding change: c.2944C>T on transcript NM_001008537.3 (MANE Select); coding-DNA position 2944, C replaced by T.
Protein change: p.Pro982Ser; replaces proline 982 with serine.
Molecular consequence: missense variant.
Genome position (GRCh38, 1-based): chrX:74,741,613, G>A on the plus strand (C>T on the coding strand, the complement: NEXMIF is on the minus strand). VCF-style: chrX-74741613-G-A. GRCh37 (hg19) VCF-style: chrX-73961448-G-A.
Other names: short protein forms P982S.
Identifiers: ClinVar variation 2036546 (VCV002036546.4), dbSNP rs780659739, ClinGen allele CA10454990.